The following is an entry in ClinVar:

NM_144997.7(FLCN):c.947G>C (p.Ser316Thr)

Gene: FLCN (folliculin; minus strand). Cytogenetic location: 17p11.2.
Variant type: single nucleotide variant.
Coding change: c.947G>C on transcript NM_144997.7 (MANE Select); coding-DNA position 947, G replaced by C.
Protein change: p.Ser316Thr; replaces serine 316 with threonine.
Molecular consequence: missense variant.
Genome position (GRCh38, 1-based): chr17:17,219,134, C>G on the plus strand (G>C on the coding strand, the complement: FLCN is on the minus strand). VCF-style: chr17-17219134-C-G. GRCh37 (hg19) VCF-style: chr17-17122448-C-G.
Other names: c.947G>C, p.Ser316Thr (NM_001353231.2, NM_001353230.2); c.1001G>C, p.Ser334Thr (NM_001353229.2); short protein forms S316T, S334T.
Identifiers: ClinVar variation 4871399 (VCV004871399.1).

ClinVar aggregate classification (germline): Uncertain significance (1 of 4 stars; one submission).

Conditions:
Hereditary cancer-predisposing syndrome. Also called: Neoplastic Syndromes, Hereditary; Hereditary Cancer Syndrome; Hereditary neoplastic syndrome; Tumor predisposition. Identifiers: Orphanet 140162, MedGen C0027672, MeSH D009386, MONDO:0015356.

Submission:

Ambry Genetics
Classification: Uncertain significance for Hereditary cancer-predisposing syndrome. Last evaluated: 2026-06-14. Review status: criteria provided, single submitter. Criteria: Ambry Variant Classification Scheme 2023. Collection method: clinical testing. Allele origin: germline.
Comment: The p.S316T variant (also known as c.947G>C), located in coding exon 6 of the FLCN gene, results from a G to C substitution at nucleotide position 947. The serine at codon 316 is replaced by threonine, an amino acid with similar properties. This amino acid position is conserved. In addition, this alteration is predicted to be tolerated by in silico analysis. Based on the available evidence, the clinical significance of this variant remains unclear.